The following is an entry in ClinVar:

ClinVar aggregate classification (germline): Benign. Review status: criteria provided, multiple submitters, no conflicts (2 of 4 stars). 3 submissions from 3 submitters: Benign (3). Last evaluated 2024-08-13.

Allele frequency attached by ClinVar (database versions not stated): gnomAD exomes 0.00341; ExAC 0.00407; gnomAD 0.01263 and 0.01355; 1000 Genomes Project 0.01298; ESP Exome Variant Server 0.01324; TOPMed 0.01396; 1000 Genomes Project 30x 0.01546.
gnomAD v4.1: 4,252 of 1,613,676 alleles (0.26%); highest among the groups gnomAD compares: African/African-American, 4.4%; 81 homozygotes.

Submissions (23):

Mayo Clinic Laboratories, Mayo Clinic
Classification: Benign. Last evaluated: 2024-08-13. Review status: criteria provided, single submitter. Criteria: ACMG Guidelines, 2015. Collection method: clinical testing. Allele origin: germline. Observed: 5 variant alleles.
Comment: BS1, BS2, BP4, BP7

Labcorp Genetics (formerly Invitae), Labcorp
Classification: Benign. Last evaluated: 2019-12-31. Review status: criteria provided, single submitter. Criteria: Invitae Variant Classification Sherloc (09022015). Collection method: clinical testing. Allele origin: germline.

Breakthrough Genomics
Classification: Benign. Review status: criteria provided, single submitter. Criteria: ACMG Guidelines, 2015. Collection method: not provided. Allele origin: germline. Inheritance: Autosomal recessive inheritance. Affected: yes.

Dr. Peter K. Rogan Lab, Western University
No classification provided (evidence only). Condition: Clear cell carcinoma of kidney. Review status: no classification provided. Collection method: in vitro. Allele origin: not applicable. Functional consequence: retained intron. Not counted in ClinVar's aggregate classification.

Dr. Peter K. Rogan Lab, Western University
No classification provided (evidence only). Condition: Clear cell carcinoma of kidney. Review status: no classification provided. Collection method: in vitro. Allele origin: not applicable. Functional consequence: retained intron. Not counted in ClinVar's aggregate classification.

Dr. Peter K. Rogan Lab, Western University
No classification provided (evidence only). Condition: Clear cell carcinoma of kidney. Review status: no classification provided. Collection method: in vitro. Allele origin: not applicable. Functional consequence: retained intron. Not counted in ClinVar's aggregate classification.

Dr. Peter K. Rogan Lab, Western University
No classification provided (evidence only). Condition: Colon adenocarcinoma. Review status: no classification provided. Collection method: in vitro. Allele origin: not applicable. Functional consequence: retained intron. Not counted in ClinVar's aggregate classification.

Dr. Peter K. Rogan Lab, Western University
No classification provided (evidence only). Condition: Uterine corpus endometrial carcinoma. Review status: no classification provided. Collection method: in vitro. Allele origin: not applicable. Functional consequence: retained intron. Not counted in ClinVar's aggregate classification.

Dr. Peter K. Rogan Lab, Western University
No classification provided (evidence only). Condition: Uterine corpus endometrial carcinoma. Review status: no classification provided. Collection method: in vitro. Allele origin: not applicable. Functional consequence: retained intron. Not counted in ClinVar's aggregate classification.

Dr. Peter K. Rogan Lab, Western University
No classification provided (evidence only). Condition: Uterine corpus endometrial carcinoma. Review status: no classification provided. Collection method: in vitro. Allele origin: not applicable. Functional consequence: retained intron. Not counted in ClinVar's aggregate classification.

Dr. Peter K. Rogan Lab, Western University
No classification provided (evidence only). Condition: Uterine corpus endometrial carcinoma. Review status: no classification provided. Collection method: in vitro. Allele origin: not applicable. Functional consequence: retained intron. Not counted in ClinVar's aggregate classification.

Dr. Peter K. Rogan Lab, Western University
No classification provided (evidence only). Condition: Cervical cancer. Review status: no classification provided. Collection method: in vitro. Allele origin: not applicable. Functional consequence: retained intron. Not counted in ClinVar's aggregate classification.

Dr. Peter K. Rogan Lab, Western University
No classification provided (evidence only). Condition: Sarcoma. Review status: no classification provided. Collection method: in vitro. Allele origin: not applicable. Functional consequence: retained intron. Not counted in ClinVar's aggregate classification.

Dr. Peter K. Rogan Lab, Western University
No classification provided (evidence only). Condition: Sarcoma. Review status: no classification provided. Collection method: in vitro. Allele origin: not applicable. Functional consequence: retained intron. Not counted in ClinVar's aggregate classification.

Dr. Peter K. Rogan Lab, Western University
No classification provided (evidence only). Condition: Sarcoma. Review status: no classification provided. Collection method: in vitro. Allele origin: not applicable. Functional consequence: retained intron. Not counted in ClinVar's aggregate classification.

Dr. Peter K. Rogan Lab, Western University
No classification provided (evidence only). Condition: Hepatocellular carcinoma. Review status: no classification provided. Collection method: in vitro. Allele origin: not applicable. Functional consequence: retained intron. Not counted in ClinVar's aggregate classification.

Dr. Peter K. Rogan Lab, Western University
No classification provided (evidence only). Condition: Hepatocellular carcinoma. Review status: no classification provided. Collection method: in vitro. Allele origin: not applicable. Functional consequence: retained intron. Not counted in ClinVar's aggregate classification.

Dr. Peter K. Rogan Lab, Western University
No classification provided (evidence only). Condition: Thymoma. Review status: no classification provided. Collection method: in vitro. Allele origin: not applicable. Functional consequence: retained intron. Not counted in ClinVar's aggregate classification.

Dr. Peter K. Rogan Lab, Western University
No classification provided (evidence only). Condition: Thymoma. Review status: no classification provided. Collection method: in vitro. Allele origin: not applicable. Functional consequence: retained intron. Not counted in ClinVar's aggregate classification.

Dr. Peter K. Rogan Lab, Western University
No classification provided (evidence only). Condition: Cholangiocarcinoma. Review status: no classification provided. Collection method: in vitro. Allele origin: not applicable. Functional consequence: retained intron. Not counted in ClinVar's aggregate classification.

Dr. Peter K. Rogan Lab, Western University
No classification provided (evidence only). Condition: Ovarian serous cystadenocarcinoma. Review status: no classification provided. Collection method: in vitro. Allele origin: not applicable. Functional consequence: retained intron. Not counted in ClinVar's aggregate classification.

Dr. Peter K. Rogan Lab, Western University
No classification provided (evidence only). Condition: Uterine carcinosarcoma. Review status: no classification provided. Collection method: in vitro. Allele origin: not applicable. Functional consequence: retained intron. Not counted in ClinVar's aggregate classification.

Dr. Peter K. Rogan Lab, Western University
No classification provided (evidence only). Condition: Malignant tumor of esophagus. Review status: no classification provided. Collection method: in vitro. Allele origin: not applicable. Functional consequence: retained intron. Not counted in ClinVar's aggregate classification.

NM_003104.6(SORD):c.504C>T (p.Gly168=)

Gene: SORD (sorbitol dehydrogenase; plus strand). Cytogenetic location: 15q21.1.
Variant type: single nucleotide variant.
Coding change: c.504C>T on transcript NM_003104.6 (MANE Select); coding-DNA position 504, C replaced by T.
Protein change: p.Gly168=; no amino-acid change (glycine 168 retained).
Molecular consequence: synonymous variant. On other transcripts: non-coding transcript variant (1).
Genome position (GRCh38, 1-based): chr15:45,065,349, C>T. VCF-style: chr15-45065349-C-T. GRCh37 (hg19) VCF-style: chr15-45357547-C-T.
Other names: NC_000015.9:g.45357547C>T; p.Gly168=.
Identifiers: ClinVar variation 776886 (VCV000776886.7), dbSNP rs2229656, ClinGen allele CA7537209.